The following is an entry in ClinVar:

NM_201384.3(PLEC):c.12190G>A (p.Glu4064Lys)

Gene: PLEC (plectin; minus strand). Cytogenetic location: 8q24.3.
Variant type: single nucleotide variant.
Coding change: c.12190G>A on transcript NM_201384.3 (MANE Select); coding-DNA position 12190, G replaced by A.
Protein change: p.Glu4064Lys; replaces glutamic acid 4064 with lysine.
Molecular consequence: missense variant.
Genome position (GRCh38, 1-based): chr8:143,917,631, C>T on the plus strand (G>A on the coding strand, the complement: PLEC is on the minus strand). VCF-style: chr8-143917631-C-T. GRCh37 (hg19) VCF-style: chr8-144991799-C-T.
Other names: c.12271G>A, p.Glu4091Lys (NM_000445.5); c.12148G>A, p.Glu4050Lys (NM_201378.4); c.12124G>A, p.Glu4042Lys (NM_201379.3); c.12601G>A, p.Glu4201Lys (NM_201380.4); c.12094G>A, p.Glu4032Lys (NM_201381.3); c.12190G>A, p.Glu4064Lys (NM_201382.4); c.12202G>A, p.Glu4068Lys (NM_201383.3); short protein forms E4032K, E4042K, E4050K, E4064K, E4068K, E4091K, E4201K.
Identifiers: ClinVar variation 196824 (VCV000196824.41), dbSNP rs200206105, ClinGen allele CA244316.

ClinVar aggregate classification (germline): Conflicting classifications of pathogenicity. Review status: criteria provided, conflicting classifications (1 of 4 stars). 8 submissions from 8 submitters: Uncertain significance (3); Likely benign (4). 1 of the submissions does not count toward it. Last evaluated 2026-10-01.

Conditions:
PLEC-related disorder. Also called: PLEC-related condition; PLEC-related disorders.
Epidermolysis bullosa simplex 5B, with muscular dystrophy (EBS5B). Also called: Epidermolysis bullosa simplex with muscular dystrophy; EPIDERMOLYSIS BULLOSA SIMPLEX AND LIMB-GIRDLE MUSCULAR DYSTROPHY. Identifiers: Orphanet 257, MedGen C2931072, MONDO:0009181, OMIM 226670.
Epidermolysis bullosa simplex with nail dystrophy (EBS5D). Identifiers: MedGen C4225309, MONDO:0014661, OMIM 616487.
Autosomal recessive limb-girdle muscular dystrophy type 2Q (LGMDR17). Also called: MUSCULAR DYSTROPHY, LIMB-GIRDLE, AUTOSOMAL RECESSIVE 17. Identifiers: Orphanet 254361, MedGen C3150989, MONDO:0013390, OMIM 613723.
Epidermolysis bullosa simplex 5C, with pyloric atresia (EBS5C). Also called: PLEC-Related Epidermolysis Bullosa with Pyloric Atresia; PLEC1-Related Epidermolysis Bullosa with Pyloric Atresia; Epidermolysis bullosa simplex with pyloric atresia. Identifiers: Orphanet 158684, MedGen C2677349, MONDO:0012807, OMIM 612138.
Epidermolysis bullosa simplex, Ogna type (EBS5A). Also called: Pidermolysis bullosa simplex 5A, Ogna type; EPIDERMOLYSIS BULLOSA SIMPLEX 5A, OGNA TYPE. Identifiers: Orphanet 79401, MedGen C0432317, MONDO:0007555, OMIM 131950.

Allele frequency attached by ClinVar (database versions not stated): ESP Exome Variant Server 0.00040; TOPMed 0.00057; gnomAD 0.00068 and 0.00073; gnomAD exomes 0.00071 and 0.00088; ExAC 0.00090.
gnomAD v4.1: 1,384 of 1,613,604 alleles (0.086%); highest among the groups gnomAD compares: Non-Finnish European, 0.098%; 2 homozygotes.

Submissions (8):

CeGaT Center for Human Genetics Tuebingen
Classification: Likely benign. Last evaluated: 2026-10-01. Review status: criteria provided, single submitter. Criteria: CeGaT Center For Human Genetics Tuebingen Variant Classification Criteria Version 2. Collection method: clinical testing. Allele origin: germline. Affected: yes. Observed: 3 variant alleles.
Comment: PLEC: BS4

Labcorp Genetics (formerly Invitae), Labcorp
Classification: Likely benign for Autosomal recessive limb-girdle muscular dystrophy type 2Q; Epidermolysis bullosa simplex, Ogna type; Epidermolysis bullosa simplex with nail dystrophy; Epidermolysis bullosa simplex 5C, with pyloric atresia; Epidermolysis bullosa simplex 5B, with muscular dystrophy. Last evaluated: 2025-12-11. Review status: criteria provided, single submitter. Criteria: Invitae Variant Classification Sherloc (09022015). Collection method: clinical testing. Allele origin: germline.

Blueprint Genetics
Classification: Likely benign. Last evaluated: 2024-11-27. Review status: criteria provided, single submitter. Criteria: ACMG Guidelines, 2015. Collection method: clinical testing. Allele origin: germline.

Athena Diagnostics
Classification: Likely benign. Last evaluated: 2024-02-20. Review status: criteria provided, single submitter. Criteria: Athena Diagnostics Criteria. Collection method: clinical testing. Allele origin: unknown.

Women's Health and Genetics/Laboratory Corporation of America, LabCorp
Classification: Uncertain significance. Last evaluated: 2023-11-21. Review status: criteria provided, single submitter. Criteria: LabCorp Variant Classification Summary - May 2015. Collection method: clinical testing. Allele origin: germline.
Comment: Variant summary: PLEC1 c.12271G>A (p.Glu4091Lys) results in a conservative amino acid change in the encoded protein sequence. Three of five in-silico tools predict a damaging effect of the variant on protein function. The variant allele was found at a frequency of 0.00077 in 280548 control chromosomes in the gnomAD database, including 1 homozygote. c.12271G>A has been reported in the literature in heterozygous individuals affected with clinical features of Emery-Dreifuss muscular dystrophy (e.g. Meinke_2020). These report(s) do not provide unequivocal conclusions about association of the variant with PLEC1-Related Disorders. To our knowledge, no experimental evidence demonstrating an impact on protein function has been reported. The following publications have been ascertained in the context of this evaluation (PMID: 31862442, 29050564). Three submitters have cited clinical-significance assessments for this variant to ClinVar after 2014, classifying the variant as uncertain significance (n=2) or likely benign (n=1). Based on the evidence outlined above, the variant was classified as uncertain significance.

Eurofins Ntd Llc (ga)
Classification: Uncertain significance. Last evaluated: 2018-02-13. Review status: criteria provided, single submitter. Criteria: EGL ClinVar v180209 classification definitions. Collection method: clinical testing. Allele origin: germline. Observed: 9 variant alleles, 9 heterozygotes.

GeneDx
Classification: Uncertain significance. Last evaluated: 2016-08-31. Review status: criteria provided, single submitter. Criteria: GeneDx Variant Classification (06012015). Collection method: clinical testing. Allele origin: germline. Affected: yes.
Comment: A variant of uncertain significance has been identified in the PLEC gene. The E4091K variant has not been published as a pathogenic variant, nor has it been reported as a benign variant to our knowledge. It was not observed with any significant frequency in approximately 6,200 individuals of European and African American ancestry in the NHLBI Exome Sequencing Project. The E4091K variant is a non-conservative amino acid substitution, which is likely to impact secondary protein structure as these residues differ in polarity, charge, size and/or other properties. However, this substitution occurs at a position where amino acids with similar properties to Glutamic acid are tolerated across species. In silico analysis is inconsistent in its predictions as to whether or not the variant is damaging to the protein structure/function. Therefore, based on the currently available information, it is unclear whether this variant is a pathogenic variant or a rare benign variant.

PreventionGenetics, part of Exact Sciences
Classification: Likely benign for PLEC-related condition. Last evaluated: 2024-07-12. Review status: no assertion criteria provided. Collection method: clinical testing. Allele origin: germline. Not counted in ClinVar's aggregate classification.
Comment: This variant is classified as likely benign based on ACMG/AMP sequence variant interpretation guidelines (Richards et al. 2015 PMID: 25741868, with internal and published modifications).

Literature cited by the submitters: PubMed 31862442 (cited by Athena Diagnostics and Women's Health and Genetics/Laboratory Corporation of America, LabCorp); PubMed 29050564 (cited by Athena Diagnostics and Women's Health and Genetics/Laboratory Corporation of America, LabCorp); PubMed 29590070 (cited by Athena Diagnostics).